The following is an entry in ClinVar:

ClinVar aggregate classification (germline): Uncertain significance (1 of 4 stars; one submission).

Allele frequency attached by ClinVar (database versions not stated): gnomAD exomes below 0.00001; TOPMed below 0.00001.
gnomAD v4.1: 1 of 1,614,084 alleles (0.000062%); highest among the groups gnomAD compares: Non-Finnish European, 0.000085%; no homozygotes.

Submission:

GeneDx
Classification: Uncertain significance. Last evaluated: 2024-03-08. Review status: criteria provided, single submitter. Criteria: GeneDx Variant Classification Process June 2021. Collection method: clinical testing. Allele origin: germline. Affected: yes.
Comment: Not observed at significant frequency in large population cohorts (gnomAD); In silico analysis supports that this missense variant does not alter protein structure/function; Has not been previously published as pathogenic or benign to our knowledge

NM_006015.6(ARID1A):c.6238A>G (p.Ile2080Val)

Gene: ARID1A (AT-rich interaction domain 1A; plus strand). Cytogenetic location: 1p36.11.
Variant type: single nucleotide variant.
Coding change: c.6238A>G on transcript NM_006015.6 (MANE Select); coding-DNA position 6238, A replaced by G.
Protein change: p.Ile2080Val; replaces isoleucine 2080 with valine.
Molecular consequence: missense variant.
Genome position (GRCh38, 1-based): chr1:26,780,136, A>G. VCF-style: chr1-26780136-A-G. GRCh37 (hg19) VCF-style: chr1-27106627-A-G.
Other names: c.5587A>G, p.Ile1863Val (NM_139135.4); short protein forms I1863V, I2080V.
Identifiers: ClinVar variation 2505965 (VCV002505965.2), dbSNP rs1317341560, ClinGen allele CA339190997.